The following is an entry in ClinVar:

NM_003055.3(SLC18A3):c.623C>T (p.Pro208Leu)

Genes: CHAT (choline O-acetyltransferase; plus strand), SLC18A3 (solute carrier family 18 member A3; plus strand). Cytogenetic location: 10q11.23.
Variant type: single nucleotide variant.
Coding change: c.623C>T on transcript NM_003055.3 (MANE Select); coding-DNA position 623, C replaced by T.
Protein change: p.Pro208Leu; replaces proline 208 with leucine.
Molecular consequence: missense variant. On other transcripts: intron variant (1).
Genome position (GRCh38, 1-based): chr10:49,611,363, C>T. VCF-style: chr10-49611363-C-T. GRCh37 (hg19) VCF-style: chr10-50819409-C-T.
Other names: c.-69+2164C>T (NM_020984.4); short protein forms P208L.
Identifiers: ClinVar variation 1448132 (VCV001448132.5), dbSNP rs374160245, ClinGen allele CA5496803.
Genomic context (GRCh38, chr10:49,611,363, plus strand): 5'-GCTCAGCCTTCGCCGACACGTCTGGCATAGCCATGATCGCCGATAAGTACCCGGAGGAGC[C>T]GGAGCGCAGTCGTGCACTGGGCGTGGCGCTGGCCTTCATTAGCTTCGGAAGCCTAGTGGC-3'
Protein context (NP_003046.2, residues 198-218): AMIADKYPEE[Pro208Leu]ERSRALGVAL

ClinVar aggregate classification (germline): Uncertain significance. Review status: criteria provided, multiple submitters, no conflicts (2 of 4 stars). 2 submissions from 2 submitters: Uncertain significance (2). Last evaluated 2024-07-26.

Conditions:
Inborn genetic diseases. Identifiers: MedGen C0950123, MeSH D030342.

Allele frequency attached by ClinVar (database versions not stated): ESP Exome Variant Server 0.00008.
gnomAD v4.1: 21 of 1,600,202 alleles (0.0013%); highest among the groups gnomAD compares: Non-Finnish European, 0.0014%; no homozygotes.

Submissions (2):

Ambry Genetics
Classification: Uncertain significance for Inborn genetic diseases. Last evaluated: 2024-07-26. Review status: criteria provided, single submitter. Criteria: Ambry Variant Classification Scheme 2023. Collection method: clinical testing. Allele origin: germline.

Labcorp Genetics (formerly Invitae), Labcorp
Classification: Uncertain significance. Last evaluated: 2022-08-07. Review status: criteria provided, single submitter. Criteria: Invitae Variant Classification Sherloc (09022015). Collection method: clinical testing. Allele origin: germline.
Comment: This sequence change replaces proline, which is neutral and non-polar, with leucine, which is neutral and non-polar, at codon 208 of the SLC18A3 protein (p.Pro208Leu). The frequency data for this variant in the population databases is considered unreliable, as metrics indicate poor data quality at this position in the gnomAD database. This variant has not been reported in the literature in individuals affected with SLC18A3-related conditions. ClinVar contains an entry for this variant (Variation ID: 1448132). Algorithms developed to predict the effect of missense changes on protein structure and function (SIFT, PolyPhen-2, Align-GVGD) all suggest that this variant is likely to be tolerated. In summary, the available evidence is currently insufficient to determine the role of this variant in disease. Therefore, it has been classified as a Variant of Uncertain Significance.